The following is an entry in ClinVar:

ClinVar aggregate classification (germline): Uncertain significance (1 of 4 stars; one submission).

Conditions:
Monogenic diabetes. Identifiers: Orphanet 183625, MedGen C3888631, MONDO:0015967.

Allele frequency attached by ClinVar (database versions not stated): gnomAD exomes below 0.00001.

Submission:

Personalized Diabetes Medicine Program, University of Maryland School of Medicine
Classification: Uncertain significance for Monogenic diabetes. Last evaluated: 2018-05-18. Review status: criteria provided, single submitter. Criteria: ACMG Guidelines, 2015. Collection method: research. Allele origin: unknown. Observed: 1 variant allele, 1 heterozygote.
Comment: ACMG criteria: PM2 [PP3 (4 predictors), BP4 (6 predictors), Revel score 0.161, conflicting data = not using]= VUS

NM_178161.3(PTF1A):c.440C>T (p.Ala147Val)

Gene: PTF1A (pancreas associated transcription factor 1a; plus strand). Cytogenetic location: 10p12.2.
Variant type: single nucleotide variant.
Coding change: c.440C>T on transcript NM_178161.3 (MANE Select); coding-DNA position 440, C replaced by T.
Protein change: p.Ala147Val; replaces alanine 147 with valine.
Molecular consequence: missense variant.
Genome position (GRCh38, 1-based): chr10:23,192,970, C>T. VCF-style: chr10-23192970-C-T. GRCh37 (hg19) VCF-style: chr10-23481899-C-T.
Other names: short protein forms A147V.
Identifiers: ClinVar variation 917468 (VCV000917468.1), dbSNP rs1840912525, ClinGen allele CA376262625.
Genomic context (GRCh38, chr10:23,192,970, plus strand): 5'-CCGGGGCGGCAGTACTGTCTCCCGGGGCGCGGCTGCGCGGCCTGAGCGGAGCGGCGGCTG[C>T]GGCGGCGCGGCGCCGGCGGCGGGTGCGCTCCGAGGCGGAGCTGCAGCAGCTGCGGCAGGC-3'
Protein context (NP_835455.1, residues 137-157): RLRGLSGAAA[Ala147Val]AARRRRRVRS